The following is an entry in ClinVar:

NM_004168.4(SDHA):c.516A>G (p.Ala172=)

Gene: SDHA (succinate dehydrogenase complex flavoprotein subunit A; plus strand). Cytogenetic location: 5p15.33.
Variant type: single nucleotide variant.
Coding change: c.516A>G on transcript NM_004168.4 (MANE Select); coding-DNA position 516, A replaced by G.
Protein change: p.Ala172=; no amino-acid change (alanine 172 retained).
Molecular consequence: synonymous variant.
Genome position (GRCh38, 1-based): chr5:225,942, A>G. VCF-style: chr5-225942-A-G. GRCh37 (hg19) VCF-style: chr5-226057-A-G.
Other names: c.372A>G, p.Ala124= (NM_001294332.2); c.516A>G, p.Ala172= (NM_001330758.2).
Identifiers: ClinVar variation 417231 (VCV000417231.23), dbSNP rs181278759, ClinGen allele CA3172865.

ClinVar aggregate classification (germline): Benign/Likely benign. Review status: criteria provided, multiple submitters, no conflicts (2 of 4 stars). 5 submissions from 5 submitters: Benign (1); Likely benign (4). Last evaluated 2026-06-01.

Conditions:
SDHA-related disorder. Also called: SDHA-related condition; SDHA-related disorders.
Hereditary cancer-predisposing syndrome. Also called: Tumor predisposition; Hereditary neoplastic syndrome; Hereditary Cancer Syndrome; Neoplastic Syndromes, Hereditary. Identifiers: Orphanet 140162, MedGen C0027672, MeSH D009386, MONDO:0015356.
Mitochondrial complex II deficiency, nuclear type 1. Also called: SUCCINATE CoQ REDUCTASE DEFICIENCY. Identifiers: Orphanet 3208, MedGen C5700310, MONDO:0100294, OMIM 252011.
Pheochromocytoma/paraganglioma syndrome 5. Also called: Paragangliomas 5; SDHA-Related Hereditary Paraganglioma-Pheochromocytoma Syndrome. Identifiers: Orphanet 29072, MedGen C3279992, MONDO:0013602, OMIM 614165.

Allele frequency attached by ClinVar (database versions not stated): gnomAD 0.00001; TOPMed 0.00003; 1000 Genomes Project 30x 0.00016; 1000 Genomes Project 0.00020.
gnomAD v4.1: 32 of 1,613,932 alleles (0.002%); highest among the groups gnomAD compares: Admixed American, 0.022%; no homozygotes.

Submissions (5):

PreventionGenetics, part of Exact Sciences
Classification: Likely benign for SDHA-related condition. Last evaluated: 2026-06-01. Review status: criteria provided, single submitter. Criteria: ACMG Guidelines, 2015. Collection method: clinical testing. Allele origin: germline.
Comment: This variant is classified as likely benign based on ACMG/AMP sequence variant interpretation guidelines (Richards et al. 2015 PMID: 25741868, with internal and published modifications).

Labcorp Genetics (formerly Invitae), Labcorp
Classification: Likely benign for Pheochromocytoma/paraganglioma syndrome 5; Mitochondrial complex II deficiency, nuclear type 1. Last evaluated: 2026-02-03. Review status: criteria provided, single submitter. Criteria: Invitae Variant Classification Sherloc (09022015). Collection method: clinical testing. Allele origin: germline.

CeGaT Center for Human Genetics Tuebingen
Classification: Likely benign. Last evaluated: 2025-12-01. Review status: criteria provided, single submitter. Criteria: CeGaT Center For Human Genetics Tuebingen Variant Classification Criteria Version 2. Collection method: clinical testing. Allele origin: germline. Affected: yes. Observed: 1 variant allele.
Comment: SDHA: BP4, BP7

Myriad Genetics, Inc.
Classification: Benign for Pheochromocytoma/paraganglioma syndrome 5. Last evaluated: 2025-02-28. Review status: criteria provided, single submitter. Criteria: Myriad Autosomal Dominant, Autosomal Recessive and X-Linked Classification Criteria (2023). Collection method: clinical testing. Allele origin: unknown.
Comment: This variant is considered benign. This variant is a silent/synonymous amino acid change and it is not expected to impact splicing.

Ambry Genetics
Classification: Likely benign for Hereditary cancer-predisposing syndrome. Last evaluated: 2017-06-29. Review status: criteria provided, single submitter. Criteria: Ambry Variant Classification Scheme 2023. Collection method: clinical testing. Allele origin: germline.